The following is an entry in ClinVar:

NM_025137.4(SPG11):c.-13C>G

Gene: SPG11 (SPG11 vesicle trafficking associated, spatacsin; minus strand). Cytogenetic location: 15q21.1.
Variant type: single nucleotide variant.
Coding change: c.-13C>G on transcript NM_025137.4 (MANE Select); 13 bases upstream of the start codon, C replaced by G.
Molecular consequence: 5 prime UTR variant.
Genome position (GRCh38, 1-based): chr15:44,663,660, G>C on the plus strand (C>G on the coding strand, the complement: SPG11 is on the minus strand). VCF-style: chr15-44663660-G-C. GRCh37 (hg19) VCF-style: chr15-44955858-G-C.
Other names: c.-13C>G (NM_001160227.2, NM_001411132.1).
Identifiers: ClinVar variation 4847683 (VCV004847683.1).
Genomic context (GRCh38, chr15:44,663,660, plus strand): 5'-GCTACCGCCGGCGGAAGCAGCACTCGCGACCCCTTCCTCTGCAGCCATCTTGGCCCGGCG[G>C]TTACTTCCGGTCACTTTCGCCGGAACCTGACTGCGTCGTGGGCATGCGCGGTGTACGTAG-3'

ClinVar aggregate classification (germline): Uncertain significance (1 of 4 stars; one submission).

gnomAD v4.1: 93 of 1,586,282 alleles (0.0059%); highest among the groups gnomAD compares: South Asian, 0.029%; no homozygotes.

Submission:

Women's Health and Genetics/Laboratory Corporation of America, LabCorp
Classification: Uncertain significance. Last evaluated: 2026-03-25. Review status: criteria provided, single submitter. Criteria: LabCorp Variant Classification Summary - May 2015. Collection method: clinical testing. Allele origin: germline.
Comment: Variant summary: SPG11 c.-13C>G is located in the untranslated mRNA region upstream of the initiation codon. The variant allele was found at a frequency of 0.00013 in 199588 control chromosomes. This frequency is not significantly higher than estimated for disease-causing variants in SPG11, allowing no conclusion about variant significance. To our knowledge, no occurrence of c.-13C>G in individuals affected with SPG11-related conditions and no experimental evidence demonstrating its impact on protein function have been reported. No submitters have cited clinical-significance assessments for this variant to ClinVar. Based on the evidence outlined above, the variant was classified as uncertain significance.